The following is an entry in ClinVar:

ClinVar aggregate classification (germline): Likely pathogenic (1 of 4 stars; one submission).

Conditions:
Cockayne syndrome type 2 (CSB). Also called: COCKAYNE SYNDROME B; Cockayne Syndrome, Type II. Identifiers: Orphanet 191, Orphanet 90322, MedGen C0751038, MONDO:0019570, OMIM 133540.

Submission:

Myriad Genetics, Inc.
Classification: Likely pathogenic for Cockayne syndrome type 2. Last evaluated: 2022-03-15. Review status: criteria provided, single submitter. Criteria: Myriad Women's Health Autosomal Recessive and X-Linked Classification Criteria (2021). Collection method: clinical testing. Allele origin: unknown.
Comment: NM_000124.2(ERCC6):c.3234_3235delTG(E1079Sfs*7) is expected to be pathogenic in the context of ERCC6-related disorders. This variant is predicted to lead to an abnormal or absent protein product due to the creation of a premature termination codon in ERCC6, a gene where loss-of-function variants are known to be pathogenic. Please note: this variant was assessed in the context of healthy population screening.

NM_000124.4(ERCC6):c.3234_3235del (p.Glu1079fs)

Gene: ERCC6 (ERCC excision repair 6, chromatin remodeling factor; minus strand). Cytogenetic location: 10q11.23.
Variant type: Deletion.
Coding change: c.3234_3235del on transcript NM_000124.4 (MANE Select); coding-DNA positions 3234 to 3235, 2 bases deleted (TG; older notation c.3234_3235delTG).
Protein change: p.Glu1079fs; shifts the reading frame from glutamic acid 1079.
Molecular consequence: frameshift variant.
Genome position (GRCh38, 1-based): chr10:49,470,725-49,470,726, CA deleted on the plus strand (TG on the coding strand, the reverse complement: ERCC6 is on the minus strand). VCF-style (leftmost placement, unchanged base first): chr10-49470724-TCA-T. GRCh37 (hg19) VCF-style: chr10-50678770-TCA-T.
Other names: c.3234_3235del, p.Glu1079fs (NM_001346440.2); short protein forms E1079fs.
Identifiers: ClinVar variation 1725265 (VCV001725265.2), dbSNP rs2495972945, ClinGen allele CA2580081562.